The following is an entry in ClinVar:

NM_001013703.4(EIF2AK4):c.249T>A (p.Tyr83Ter)

Gene: EIF2AK4 (eukaryotic translation initiation factor 2 alpha kinase 4; plus strand). Cytogenetic location: 15q15.1.
Variant type: single nucleotide variant.
Coding change: c.249T>A on transcript NM_001013703.4 (MANE Select); coding-DNA position 249, T replaced by A.
Protein change: p.Tyr83Ter; replaces tyrosine 83 with a stop codon.
Molecular consequence: nonsense.
Genome position (GRCh38, 1-based): chr15:39,939,609, T>A. VCF-style: chr15-39939609-T-A. GRCh37 (hg19) VCF-style: chr15-40231810-T-A.
Other names: short protein forms Y83*.
Identifiers: ClinVar variation 3622587 (VCV003622587.3).

ClinVar aggregate classification (germline): Pathogenic/Likely pathogenic. Review status: criteria provided, multiple submitters, no conflicts (2 of 4 stars). 2 submissions from 2 submitters: Pathogenic (1); Likely pathogenic (1). Last evaluated 2024-06-11.

Conditions:
EIF2AK4-related disorders.

gnomAD v4.1: 16 of 1,606,598 alleles (0.001%); highest among the groups gnomAD compares: Non-Finnish European, 0.0013%; no homozygotes.

Submissions (2):

Labcorp Genetics (formerly Invitae), Labcorp
Classification: Pathogenic. Last evaluated: 2024-06-11. Review status: criteria provided, single submitter. Criteria: Invitae Variant Classification Sherloc (09022015). Collection method: clinical testing. Allele origin: germline.
Comment: This sequence change creates a premature translational stop signal (p.Tyr83*) in the EIF2AK4 gene. It is expected to result in an absent or disrupted protein product. Loss-of-function variants in EIF2AK4 are known to be pathogenic (PMID: 12215525, 24135949, 24292273, 24310610, 28972005, 29743074). This variant is present in population databases (rs777611369, gnomAD 0.004%). This variant has not been reported in the literature in individuals affected with EIF2AK4-related conditions. For these reasons, this variant has been classified as Pathogenic.

Blueprint Genetics
Classification: Likely pathogenic for EIF2AK4-related disorders. Last evaluated: 2022-09-22. Review status: criteria provided, single submitter. Criteria: ACMG Guidelines, 2015. Collection method: clinical testing. Allele origin: germline. Affected: yes. Observed: 1 variant allele.

Literature cited by the submitters: PubMed 12215525 (cited by Labcorp Genetics (formerly Invitae), Labcorp); PubMed 24135949 (cited by Labcorp Genetics (formerly Invitae), Labcorp); PubMed 24292273 (cited by Labcorp Genetics (formerly Invitae), Labcorp); PubMed 24310610 (cited by Labcorp Genetics (formerly Invitae), Labcorp); PubMed 28972005 (cited by Labcorp Genetics (formerly Invitae), Labcorp); PubMed 29743074 (cited by Labcorp Genetics (formerly Invitae), Labcorp).